The following is an entry in ClinVar:

NM_004715.5(CTDP1):c.299A>G (p.Gln100Arg)

Gene: CTDP1 (CTD phosphatase subunit 1; plus strand). Cytogenetic location: 18q23.
Variant type: single nucleotide variant.
Coding change: c.299A>G on transcript NM_004715.5 (MANE Select); coding-DNA position 299, A replaced by G.
Protein change: p.Gln100Arg; replaces glutamine 100 with arginine.
Molecular consequence: missense variant.
Genome position (GRCh38, 1-based): chr18:79,680,246, A>G. VCF-style: chr18-79680246-A-G. GRCh37 (hg19) VCF-style: chr18-77440246-A-G.
Other names: c.299A>G, p.Gln100Arg (NM_001318511.2, NM_048368.4); short protein forms Q100R.
Identifiers: ClinVar variation 2010410 (VCV002010410.4), dbSNP rs1038208260, ClinGen allele CA303774155.

ClinVar aggregate classification (germline): Uncertain significance. Review status: criteria provided, multiple submitters, no conflicts (2 of 4 stars). 2 submissions from 2 submitters: Uncertain significance (2). Last evaluated 2025-03-28.

Allele frequency attached by ClinVar (database versions not stated): gnomAD exomes below 0.00001; gnomAD 0.00003; TOPMed 0.00005.
gnomAD v4.1: 7 of 1,302,898 alleles (0.00054%); highest among the groups gnomAD compares: African/African-American, 0.0093%; no homozygotes.

Submissions (2):

Ambry Genetics
Classification: Uncertain significance. Last evaluated: 2025-03-28. Review status: criteria provided, single submitter. Criteria: Ambry Variant Classification Scheme 2023. Collection method: clinical testing. Allele origin: germline.

Labcorp Genetics (formerly Invitae), Labcorp
Classification: Uncertain significance. Last evaluated: 2024-02-17. Review status: criteria provided, single submitter. Criteria: Invitae Variant Classification Sherloc (09022015). Collection method: clinical testing. Allele origin: germline.
Comment: This sequence change replaces glutamine, which is neutral and polar, with arginine, which is basic and polar, at codon 100 of the CTDP1 protein (p.Gln100Arg). This variant is present in population databases (no rsID available, gnomAD 0.01%). This variant has not been reported in the literature in individuals affected with CTDP1-related conditions. ClinVar contains an entry for this variant (Variation ID: 2010410). An algorithm developed to predict the effect of missense changes on protein structure and function (PolyPhen-2) suggests that this variant is likely to be tolerated. In summary, the available evidence is currently insufficient to determine the role of this variant in disease. Therefore, it has been classified as a Variant of Uncertain Significance.